The following is an entry in ClinVar:

ClinVar aggregate classification (germline): Uncertain significance (1 of 4 stars; one submission).

Allele frequency attached by ClinVar (database versions not stated): gnomAD exomes below 0.00001.
gnomAD v4.1: 1 of 1,613,986 alleles (0.000062%); highest among the groups gnomAD compares: Non-Finnish European, 0.000085%; no homozygotes.

Submission:

Labcorp Genetics (formerly Invitae), Labcorp
Classification: Uncertain significance. Last evaluated: 2022-08-23. Review status: criteria provided, single submitter. Criteria: Invitae Variant Classification Sherloc (09022015). Collection method: clinical testing. Allele origin: germline.
Comment: This variant has not been reported in the literature in individuals affected with ERCC6-related conditions. This sequence change replaces isoleucine, which is neutral and non-polar, with valine, which is neutral and non-polar, at codon 711 of the ERCC6 protein (p.Ile711Val). This variant is not present in population databases (gnomAD no frequency). ClinVar contains an entry for this variant (Variation ID: 1496244). Algorithms developed to predict the effect of missense changes on protein structure and function (SIFT, PolyPhen-2, Align-GVGD) all suggest that this variant is likely to be disruptive. In summary, the available evidence is currently insufficient to determine the role of this variant in disease. Therefore, it has been classified as a Variant of Uncertain Significance.

NM_000124.4(ERCC6):c.2131A>G (p.Ile711Val)

Gene: ERCC6 (ERCC excision repair 6, chromatin remodeling factor; minus strand). Cytogenetic location: 10q11.23.
Variant type: single nucleotide variant.
Coding change: c.2131A>G on transcript NM_000124.4 (MANE Select); coding-DNA position 2131, A replaced by G.
Protein change: p.Ile711Val; replaces isoleucine 711 with valine.
Molecular consequence: missense variant.
Genome position (GRCh38, 1-based): chr10:49,482,725, T>C on the plus strand (A>G on the coding strand, the complement: ERCC6 is on the minus strand). VCF-style: chr10-49482725-T-C. GRCh37 (hg19) VCF-style: chr10-50690771-T-C.
Other names: c.2131A>G, p.Ile711Val (NM_001346440.2); short protein forms I711V.
Identifiers: ClinVar variation 1496244 (VCV001496244.8), dbSNP rs2132551652, ClinGen allele CA376724200.